The following is an entry in ClinVar:

NM_015450.3(POT1):c.515C>G (p.Ala172Gly)

Gene: POT1 (protection of telomeres 1; minus strand). Cytogenetic location: 7q31.33.
Variant type: single nucleotide variant.
Coding change: c.515C>G on transcript NM_015450.3 (MANE Select); coding-DNA position 515, C replaced by G.
Protein change: p.Ala172Gly; replaces alanine 172 with glycine.
Molecular consequence: missense variant. On other transcripts: non-coding transcript variant (3).
Genome position (GRCh38, 1-based): chr7:124,863,381, G>C on the plus strand (C>G on the coding strand, the complement: POT1 is on the minus strand). VCF-style: chr7-124863381-G-C. GRCh37 (hg19) VCF-style: chr7-124503435-G-C.
Other names: c.122C>G, p.Ala41Gly (NM_001042594.2); short protein forms A172G, A41G.
Identifiers: ClinVar variation 2585768 (VCV002585768.2), dbSNP rs2485479537, ClinGen allele CA369058766.

ClinVar aggregate classification (germline): Uncertain significance (1 of 4 stars; one submission).

Conditions:
Hereditary cancer-predisposing syndrome. Also called: Hereditary neoplastic syndrome; Tumor predisposition; Hereditary Cancer Syndrome; Neoplastic Syndromes, Hereditary. Identifiers: Orphanet 140162, MedGen C0027672, MeSH D009386, MONDO:0015356.

Submission:

Ambry Genetics
Classification: Uncertain significance for Hereditary cancer-predisposing syndrome. Last evaluated: 2023-08-11. Review status: criteria provided, single submitter. Criteria: Ambry Variant Classification Scheme 2023. Collection method: clinical testing. Allele origin: germline.
Comment: The p.A172G variant (also known as c.515C>G), located in coding exon 4 of the POT1 gene, results from a C to G substitution at nucleotide position 515. The alanine at codon 172 is replaced by glycine, an amino acid with similar properties. This amino acid position is conserved. In addition, this alteration is predicted to be tolerated by in silico analysis. Since supporting evidence is limited at this time, the clinical significance of this alteration remains unclear.